The following is an entry in ClinVar:

ClinVar aggregate classification (germline): Uncertain significance (1 of 4 stars; one submission).

gnomAD v4.1: 12 of 1,613,178 alleles (0.00074%); highest among the groups gnomAD compares: African/African-American, 0.011%; no homozygotes.

Submission:

Labcorp Genetics (formerly Invitae), Labcorp
Classification: Uncertain significance. Last evaluated: 2025-02-04. Review status: criteria provided, single submitter. Criteria: Invitae Variant Classification Sherloc (09022015). Collection method: clinical testing. Allele origin: germline.
Comment: This sequence change replaces lysine, which is basic and polar, with asparagine, which is neutral and polar, at codon 1000 of the HPS3 protein (p.Lys1000Asn). This variant is present in population databases (no rsID available, gnomAD 0.01%). This variant has not been reported in the literature in individuals affected with HPS3-related conditions. An algorithm developed to predict the effect of missense changes on protein structure and function (PolyPhen-2) suggests that this variant is likely to be disruptive. In summary, the available evidence is currently insufficient to determine the role of this variant in disease. Therefore, it has been classified as a Variant of Uncertain Significance.

NM_032383.5(HPS3):c.3000G>T (p.Lys1000Asn)

Genes: CP (ceruloplasmin; minus strand), HPS3 (HPS3 biogenesis of lysosomal organelles complex 2 subunit 1; plus strand). Cytogenetic location: 3q24.
Variant type: single nucleotide variant.
Coding change: c.3000G>T on transcript NM_032383.5 (MANE Select); coding-DNA position 3000, G replaced by T.
Protein change: p.Lys1000Asn; replaces lysine 1000 with asparagine.
Molecular consequence: missense variant.
Genome position (GRCh38, 1-based): chr3:149,172,207, G>T. VCF-style: chr3-149172207-G-T. GRCh37 (hg19) VCF-style: chr3-148889994-G-T.
Other names: c.2505G>T, p.Lys835Asn (NM_001308258.2); short protein forms K835N, K1000N.
Identifiers: ClinVar variation 4754490 (VCV004754490.1).